The following is an entry in ClinVar:

ClinVar aggregate classification (germline): Uncertain significance (1 of 4 stars; one submission).

gnomAD v4.1: 1 of 1,208,843 alleles (0.000083%); highest among the groups gnomAD compares: Non-Finnish European, 0.00011%; no homozygotes.

Submission:

GeneDx
Classification: Uncertain significance. Last evaluated: 2023-06-26. Review status: criteria provided, single submitter. Criteria: GeneDx Variant Classification Process June 2021. Collection method: clinical testing. Allele origin: germline. Affected: yes.
Comment: Not observed at significant frequency in large population cohorts (gnomAD); In silico analysis supports that this missense variant has a deleterious effect on protein structure/function; Has not been previously published as pathogenic or benign to our knowledge

NM_004586.3(RPS6KA3):c.1148G>A (p.Arg383Gln)

Gene: RPS6KA3 (ribosomal protein S6 kinase A3; minus strand). Cytogenetic location: Xp22.12.
Variant type: single nucleotide variant.
Coding change: c.1148G>A on transcript NM_004586.3 (MANE Select); coding-DNA position 1148, G replaced by A.
Protein change: p.Arg383Gln; replaces arginine 383 with glutamine.
Molecular consequence: missense variant.
Genome position (GRCh38, 1-based): chrX:20,175,243, C>T on the plus strand (G>A on the coding strand, the complement: RPS6KA3 is on the minus strand). VCF-style: chrX-20175243-C-T. GRCh37 (hg19) VCF-style: chrX-20193361-C-T.
Other names: short protein forms R383Q.
Identifiers: ClinVar variation 3360388 (VCV003360388.1).